The following is an entry in ClinVar:

ClinVar aggregate classification (germline): Likely benign. Review status: criteria provided, single submitter (1 of 4 stars). 2 submissions from 2 submitters: Likely benign (1). 1 of the submissions does not count toward it. Last evaluated 2025-09-26.

Conditions:
HGF-related disorder. Also called: HGF-related condition.

Allele frequency attached by ClinVar (database versions not stated): TOPMed below 0.00001; gnomAD exomes 0.00001; ExAC 0.00006.
gnomAD v4.1: 17 of 1,555,590 alleles (0.0011%); highest among the groups gnomAD compares: East Asian, 0.031%; no homozygotes.

Submissions (2):

Labcorp Genetics (formerly Invitae), Labcorp
Classification: Likely benign. Last evaluated: 2025-09-26. Review status: criteria provided, single submitter. Criteria: Invitae Variant Classification Sherloc (09022015). Collection method: clinical testing. Allele origin: germline.

PreventionGenetics, part of Exact Sciences
Classification: Likely benign for HGF-related condition. Last evaluated: 2019-07-11. Review status: no assertion criteria provided. Collection method: clinical testing. Allele origin: germline. Not counted in ClinVar's aggregate classification.
Comment: This variant is classified as likely benign based on ACMG/AMP sequence variant interpretation guidelines (Richards et al. 2015 PMID: 25741868, with internal and published modifications).

NM_000601.6(HGF):c.105A>G (p.Arg35=)

Gene: HGF (hepatocyte growth factor; minus strand). Cytogenetic location: 7q21.11.
Variant type: single nucleotide variant.
Coding change: c.105A>G on transcript NM_000601.6 (MANE Select); coding-DNA position 105, A replaced by G.
Protein change: p.Arg35=; no amino-acid change (arginine 35 retained).
Molecular consequence: synonymous variant.
Genome position (GRCh38, 1-based): chr7:81,762,856, T>C on the plus strand (A>G on the coding strand, the complement: HGF is on the minus strand). VCF-style: chr7-81762856-T-C. GRCh37 (hg19) VCF-style: chr7-81392172-T-C.
Other names: c.105A>G, p.Arg35= (NM_001010931.3, NM_001010932.3, NM_001010933.3 and 1 more transcripts).
Identifiers: ClinVar variation 3049558 (VCV003049558.3), dbSNP rs750744461, ClinGen allele CA4317276.
Genomic context (GRCh38, chr7:81,762,856, plus strand): 5'-TGGATCTATTTTGATTAGGGTAGTCTTTGCTGATTTTTTGAATTCATGAATTGTATTTCT[T>C]CTTTTCCTTTGTCCCTCTATTAAATACAAAATGTTTTAAAAAAATAAACATTGGAGAAAT-3'
Protein context (NP_000592.3, residues 25-45): AIPYAEGQRK[Arg35=]RNTIHEFKKS